The following is an entry in ClinVar:

ClinVar aggregate classification (germline): Uncertain significance (1 of 4 stars; one submission).

Allele frequency attached by ClinVar (database versions not stated): ExAC 0.00002; TOPMed 0.00002.

Submission:

Labcorp Genetics (formerly Invitae), Labcorp
Classification: Uncertain significance. Last evaluated: 2023-03-10. Review status: criteria provided, single submitter. Criteria: Invitae Variant Classification Sherloc (09022015). Collection method: clinical testing. Allele origin: germline.
Comment: In summary, the available evidence is currently insufficient to determine the role of this variant in disease. Therefore, it has been classified as a Variant of Uncertain Significance. Advanced modeling of protein sequence and biophysical properties (such as structural, functional, and spatial information, amino acid conservation, physicochemical variation, residue mobility, and thermodynamic stability) performed at Invitae indicates that this missense variant is not expected to disrupt KCNQ4 protein function. ClinVar contains an entry for this variant (Variation ID: 2177089). This variant has not been reported in the literature in individuals affected with KCNQ4-related conditions. The frequency data for this variant in the population databases is considered unreliable, as metrics indicate poor data quality at this position in the gnomAD database. This sequence change replaces valine, which is neutral and non-polar, with isoleucine, which is neutral and non-polar, at codon 415 of the KCNQ4 protein (p.Val415Ile).

NM_004700.4(KCNQ4):c.1243G>A (p.Val415Ile)

Gene: KCNQ4 (potassium voltage-gated channel subfamily Q member 4; plus strand). Cytogenetic location: 1p34.2.
Variant type: single nucleotide variant.
Coding change: c.1243G>A on transcript NM_004700.4 (MANE Select); coding-DNA position 1243, G replaced by A.
Protein change: p.Val415Ile; replaces valine 415 with isoleucine.
Molecular consequence: missense variant. On other transcripts: intron variant (1).
Genome position (GRCh38, 1-based): chr1:40,824,209, G>A. VCF-style: chr1-40824209-G-A. GRCh37 (hg19) VCF-style: chr1-41289881-G-A.
Other names: c.1130+1807G>A (NM_172163.3); short protein forms V415I.
Identifiers: ClinVar variation 2177089 (VCV002177089.4), dbSNP rs767141905, ClinGen allele CA794815.
Genomic context (GRCh38, chr1:40,824,209, plus strand): 5'-CGGCCCCTGGAGGTGCGGCGGGCGCCGGTACCCGACGGAGCACCCTCCCGTTACCCGCCC[G>A]TTGCCACCTGCCACCGGCCGGGCAGCACCTCCTTCTGCCCTGGGGAAAGGTAGGGGCCCC-3'
Protein context (NP_004691.2, residues 405-425): PDGAPSRYPP[Val415Ile]ATCHRPGSTS